The following is an entry in ClinVar:

NM_032447.5(FBN3):c.7120T>G (p.Cys2374Gly)

Gene: FBN3 (fibrillin 3; minus strand). Cytogenetic location: 19p13.2.
Variant type: single nucleotide variant.
Coding change: c.7120T>G on transcript NM_032447.5 (MANE Select); coding-DNA position 7120, T replaced by G.
Protein change: p.Cys2374Gly; replaces cysteine 2374 with glycine.
Molecular consequence: missense variant.
Genome position (GRCh38, 1-based): chr19:8,083,340, A>C on the plus strand (T>G on the coding strand, the complement: FBN3 is on the minus strand). VCF-style: chr19-8083340-A-C. GRCh37 (hg19) VCF-style: chr19-8148224-A-C.
Other names: c.7120T>G, p.Cys2374Gly (NM_001321431.2); short protein forms C2374G.
Identifiers: ClinVar variation 1487039 (VCV001487039.6), dbSNP rs751042433, ClinGen allele CA9150989.

ClinVar aggregate classification (germline): Uncertain significance (1 of 4 stars; one submission).

Allele frequency attached by ClinVar (database versions not stated): ExAC 0.00001; gnomAD exomes 0.00002; TOPMed 0.00002.
gnomAD v4.1: 9 of 1,614,076 alleles (0.00056%); highest among the groups gnomAD compares: Admixed American, 0.015%; no homozygotes.

Submission:

Labcorp Genetics (formerly Invitae), Labcorp
Classification: Uncertain significance. Last evaluated: 2025-04-21. Review status: criteria provided, single submitter. Criteria: Invitae Variant Classification Sherloc (09022015). Collection method: clinical testing. Allele origin: germline.
Comment: This sequence change replaces cysteine with glycine at codon 2374 of the FBN3 protein (p.Cys2374Gly). The cysteine residue is highly conserved and there is a large physicochemical difference between cysteine and glycine. This variant is present in population databases (rs751042433, gnomAD 0.02%). This variant has not been reported in the literature in individuals affected with FBN3-related conditions. ClinVar contains an entry for this variant (Variation ID: 1487039). Invitae Evidence Modeling of protein sequence and biophysical properties (such as structural, functional, and spatial information, amino acid conservation, physicochemical variation, residue mobility, and thermodynamic stability) indicates that this missense variant is expected to disrupt FBN3 protein function with a positive predictive value of 80%. In summary, the available evidence is currently insufficient to determine the role of this variant in disease. Therefore, it has been classified as a Variant of Uncertain Significance.